The following is an entry in ClinVar:

ClinVar aggregate classification (germline): Pathogenic. Review status: criteria provided, multiple submitters, no conflicts (2 of 4 stars). 3 submissions from 3 submitters: Pathogenic (3). Last evaluated 2024-07-31.

Conditions:
Cardiovascular phenotype. Identifiers: MedGen CN230736.
Telangiectasia, hereditary hemorrhagic, type 2 (HHT2). Also called: ACVRL1-Related Hereditary Hemorrhagic Telangiectasia; Telangiectasia, hereditary hemorrhagic, type II. Identifiers: Orphanet 774, MedGen C1838163, MONDO:0010880, OMIM 600376. Disease mechanism: loss of function.

Submissions (3):

Labcorp Genetics (formerly Invitae), Labcorp
Classification: Pathogenic for Telangiectasia, hereditary hemorrhagic, type 2. Last evaluated: 2024-07-31. Review status: criteria provided, single submitter. Criteria: Invitae Variant Classification Sherloc (09022015). Collection method: clinical testing. Allele origin: germline.
Comment: This sequence change creates a premature translational stop signal (p.Leu138Glyfs*30) in the ACVRL1 gene. It is expected to result in an absent or disrupted protein product. Loss-of-function variants in ACVRL1 are known to be pathogenic (PMID: 15879500). This variant is not present in population databases (gnomAD no frequency). This variant has not been reported in the literature in individuals affected with ACVRL1-related conditions. ClinVar contains an entry for this variant (Variation ID: 1073797). For these reasons, this variant has been classified as Pathogenic.

ARUP Laboratories, Molecular Genetics and Genomics, ARUP Laboratories
Classification: Pathogenic for Telangiectasia, hereditary hemorrhagic, type 2. Last evaluated: 2021-09-17. Review status: criteria provided, single submitter. Criteria: ARUP Molecular Germline Variant Investigation Process 2021. Collection method: clinical testing. Allele origin: germline.
Comment: The ACVRL1 c.412_413delCT; p.Leu138GlyfsTer30 variant, to our knowledge, is not reported in the medical literature but is reported in ClinVar (Variation ID: 1073797). This variant is absent from the Genome Aggregation Database, indicating it is not a common polymorphism. This variant causes a frameshift by deleting 2 nucleotides, so it is predicted to result in a truncated protein or mRNA subject to nonsense-mediated decay. Additionally, several downstream truncating variants have been described in individuals with hereditary hemorrhagic telangiectasia (HHT) and are considered pathogenic (Abdalla 2003, McDonald 2011, Komiyama 2014, McDonald 2020). Based on available information, this variant is considered to be pathogenic. References: Abdalla SA et al. Disease-associated mutations in conserved residues of ALK-1 kinase domain. Eur J Hum Genet. 2003 Apr;11(4):279-87. PMID: 12700602. Komiyama M et al. Hereditary hemorrhagic telangiectasia in Japanese patients. J Hum Genet. 2014 Jan;59(1):37-41. PMID: 24196379. McDonald J et al. Molecular diagnosis in hereditary hemorrhagic telangiectasia: findings in a series tested simultaneously by sequencing and deletion/duplication analysis. Clin Genet. 2011 Apr;79(4):335-44. PMID: 21158752. McDonald J et al. Curaçao diagnostic criteria for hereditary hemorrhagic telangiectasia is highly predictive of a pathogenic variant in ENG or ACVRL1 (HHT1 and HHT2). Genet Med. 2020 Jul;22(7):1201-1205. PMID: 32300199.

Ambry Genetics
Classification: Pathogenic for Cardiovascular phenotype. Last evaluated: 2017-03-07. Review status: criteria provided, single submitter. Criteria: Ambry Variant Classification Scheme 2023. Collection method: clinical testing. Allele origin: germline.
Comment: The c.412_413delCT pathogenic mutation, located in coding exon 3 of the ACVRL1 gene, results from a deletion of two nucleotides at nucleotide positions 412 to 413, causing a translational frameshift with a predicted alternate stop codon (p.L138Gfs*30). This alteration is expected to result in loss of function by premature protein truncation or nonsense-mediated mRNA decay. As such, this alteration is interpreted as a disease-causing mutation. This nucleotide position is not well conserved in available vertebrate species.

Literature cited by the submitters: PubMed 15879500 (cited by Labcorp Genetics (formerly Invitae), Labcorp).

NM_000020.3(ACVRL1):c.412_413del (p.Leu138fs)

Gene: ACVRL1 (activin A receptor like type 1; plus strand). Cytogenetic location: 12q13.13.
Variant type: Deletion.
Coding change: c.412_413del on transcript NM_000020.3 (MANE Select); coding-DNA positions 412 to 413, 2 bases deleted (CT; older notation c.412_413delCT).
Protein change: p.Leu138fs; shifts the reading frame from leucine 138.
Molecular consequence: frameshift variant.
Genome position (GRCh38, 1-based): chr12:51,913,657-51,913,658, CT deleted. VCF-style (leftmost placement, unchanged base first): chr12-51913656-CCT-C. GRCh37 (hg19) VCF-style: chr12-52307440-CCT-C.
Other names: c.412_413del, p.Leu138fs (NM_001077401.2); short protein forms L138fs.
Identifiers: ClinVar variation 1073797 (VCV001073797.14), dbSNP rs2139067412, ClinGen allele CA2499221746.